The following is an entry in ClinVar:

ClinVar aggregate classification (germline): Pathogenic (1 of 4 stars; one submission).

Submission:

Labcorp Genetics (formerly Invitae), Labcorp
Classification: Pathogenic. Last evaluated: 2024-11-15. Review status: criteria provided, single submitter. Criteria: Invitae Variant Classification Sherloc (09022015). Collection method: clinical testing. Allele origin: germline.
Comment: This sequence change creates a premature translational stop signal (p.Lys259Glyfs*41) in the TRAF3IP1 gene. It is expected to result in an absent or disrupted protein product. Loss-of-function variants in TRAF3IP1 are known to be pathogenic (PMID: 21945076, 26487268, 29068549). This variant is present in population databases (rs748335793, gnomAD 0.002%). This variant has not been reported in the literature in individuals affected with TRAF3IP1-related conditions. For these reasons, this variant has been classified as Pathogenic.

Literature cited by the submitters: PubMed 21945076; PubMed 26487268; PubMed 29068549.

NM_015650.4(TRAF3IP1):c.774_775del (p.Lys259fs)

Gene: TRAF3IP1 (TRAF3 interacting protein 1; plus strand). Cytogenetic location: 2q37.3.
Variant type: Microsatellite.
Coding change: c.774_775del on transcript NM_015650.4 (MANE Select); coding-DNA positions 774 to 775, 2 bases deleted (GA; older notation c.774_775delGA).
Protein change: p.Lys259fs; shifts the reading frame from lysine 259.
Molecular consequence: frameshift variant.
Genome position (GRCh38, 1-based): chr2:238,329,201-238,329,202, GA deleted; deleting any 2 consecutive bases within chr2:238,329,198-238,329,202 gives the same sequence; the c. name uses the placement nearest the transcript's 3' end. VCF-style (leftmost placement, unchanged base first): chr2-238329197-AAG-A. GRCh37 (hg19) VCF-style: chr2-239237838-AAG-A.
Other names: c.774_775del, p.Lys259fs (NM_001139490.1); short protein forms K259fs.
Identifiers: ClinVar variation 2734435 (VCV002734435.3), dbSNP rs748335793, ClinGen allele CA2198141.
Genomic context (GRCh38, chr2:238,329,197, plus strand): 5'-GGGAGCGGGACAGAGACTCCGAGCGCAAGAAGGAGACAGAGAGAAAGAGTGAGGGGGGGA[AAG>A]AGAAGGAGAGACTGAGAGACAGGGACCGAGAGCGCGACCGGGACAAAGGGAAGGACAGGG-3'